The following is an entry in ClinVar:

NM_000057.4(BLM):c.1372C>T (p.Leu458Phe)

Gene: BLM (BLM RecQ like helicase; plus strand). Cytogenetic location: 15q26.1.
Variant type: single nucleotide variant.
Coding change: c.1372C>T on transcript NM_000057.4 (MANE Select); coding-DNA position 1372, C replaced by T.
Protein change: p.Leu458Phe; replaces leucine 458 with phenylalanine.
Molecular consequence: missense variant.
Genome position (GRCh38, 1-based): chr15:90,760,745, C>T. VCF-style: chr15-90760745-C-T. GRCh37 (hg19) VCF-style: chr15-91303975-C-T.
Other names: c.1372C>T, p.Leu458Phe (NM_001287246.2, NM_001287247.2); c.247C>T, p.Leu83Phe (NM_001287248.2); short protein forms L458F, L83F.
Identifiers: ClinVar variation 1771075 (VCV001771075.6), dbSNP rs1386680498, ClinGen allele CA393842923.

ClinVar aggregate classification (germline): Uncertain significance. Review status: criteria provided, multiple submitters, no conflicts (2 of 4 stars). 2 submissions from 2 submitters: Uncertain significance (2). Last evaluated 2025-10-08.

Conditions:
Hereditary cancer-predisposing syndrome. Also called: Hereditary Cancer Syndrome; Hereditary neoplastic syndrome; Neoplastic Syndromes, Hereditary; Tumor predisposition. Identifiers: Orphanet 140162, MedGen C0027672, MeSH D009386, MONDO:0015356.
Bloom syndrome (BLM). Also called: Bloom-Torre-Machacek syndrome. Identifiers: Orphanet 125, MedGen C0005859, MONDO:0008876, OMIM 210900.

gnomAD v4.1: 2 of 1,614,040 alleles (0.00012%); highest among the groups gnomAD compares: Admixed American, 0.0033%; no homozygotes.

Submissions (2):

Labcorp Genetics (formerly Invitae), Labcorp
Classification: Uncertain significance for Bloom syndrome. Last evaluated: 2025-10-08. Review status: criteria provided, single submitter. Criteria: Invitae Variant Classification Sherloc (09022015). Collection method: clinical testing. Allele origin: germline.
Comment: This sequence change replaces leucine, which is neutral and non-polar, with phenylalanine, which is neutral and non-polar, at codon 458 of the BLM protein (p.Leu458Phe). This variant is present in population databases (no rsID available, gnomAD 0.006%). This variant has not been reported in the literature in individuals affected with BLM-related conditions. ClinVar contains an entry for this variant (Variation ID: 1771075). Invitae Evidence Modeling of protein sequence and biophysical properties (such as structural, functional, and spatial information, amino acid conservation, physicochemical variation, residue mobility, and thermodynamic stability) indicates that this missense variant is not expected to disrupt BLM protein function with a negative predictive value of 80%. In summary, the available evidence is currently insufficient to determine the role of this variant in disease. Therefore, it has been classified as a Variant of Uncertain Significance.

Ambry Genetics
Classification: Uncertain significance for Hereditary cancer-predisposing syndrome. Last evaluated: 2023-05-19. Review status: criteria provided, single submitter. Criteria: Ambry Variant Classification Scheme 2023. Collection method: clinical testing. Allele origin: germline.
Comment: The p.L458F variant (also known as c.1372C>T), located in coding exon 6 of the BLM gene, results from a C to T substitution at nucleotide position 1372. The leucine at codon 458 is replaced by phenylalanine, an amino acid with highly similar properties. This amino acid position is not well conserved in available vertebrate species. In addition, this alteration is predicted to be tolerated by in silico analysis. Since supporting evidence is limited at this time, the clinical significance of this alteration remains unclear.